The following is an entry in ClinVar:

ClinVar aggregate classification (germline): Pathogenic (1 of 4 stars; one submission).

Conditions:
Hereditary cancer-predisposing syndrome. Also called: Tumor predisposition; Hereditary neoplastic syndrome; Neoplastic Syndromes, Hereditary; Hereditary Cancer Syndrome. Identifiers: Orphanet 140162, MedGen C0027672, MeSH D009386, MONDO:0015356.

Submission:

Ambry Genetics
Classification: Pathogenic for Hereditary cancer-predisposing syndrome. Last evaluated: 2018-09-20. Review status: criteria provided, single submitter. Criteria: Ambry Variant Classification Scheme 2023. Collection method: clinical testing. Allele origin: germline.
Comment: The c.1305delA pathogenic mutation, located in coding exon 10 of the POT1 gene, results from a deletion of one nucleotide at nucleotide position 1305, causing a translational frameshift with a predicted alternate stop codon (p.V436Ffs*4). This alteration is expected to result in loss of function by premature protein truncation or nonsense-mediated mRNA decay. As such, this alteration is interpreted as a disease-causing mutation.

NM_015450.3(POT1):c.1305del (p.Val436fs)

Gene: POT1 (protection of telomeres 1; minus strand). Cytogenetic location: 7q31.33.
Variant type: Deletion.
Coding change: c.1305del on transcript NM_015450.3 (MANE Select); coding-DNA position 1305, one base deleted (A; older notation c.1305delA).
Protein change: p.Val436fs; shifts the reading frame from valine 436.
Molecular consequence: frameshift variant. On other transcripts: non-coding transcript variant (3).
Genome position (GRCh38, 1-based): chr7:124,841,037, T deleted on the plus strand (A on the coding strand, the reverse complement: POT1 is on the minus strand). VCF-style (leftmost placement, unchanged base first): chr7-124841036-CT-C. GRCh37 (hg19) VCF-style: chr7-124481090-CT-C.
Other names: c.912del, p.Val305fs (NM_001042594.2); short protein forms V305fs, V436fs.
Identifiers: ClinVar variation 818859 (VCV000818859.4), dbSNP rs1584757180, ClinGen allele CA915945498.
Genomic context (GRCh38, chr7:124,841,036, plus strand): 5'-CTATCAAAAGTAGACATTCATTTGAAAGCGGGAGAATACCATTATTTTTCACAAAATGAA[CT>C]GCTACTTTTCGTCCTTTTTGATTTTTAGTGGTCCAGATTTTTGAATCATATAATGATGTA-3'